The following is an entry in ClinVar:

ClinVar aggregate classification (germline): Uncertain significance (1 of 4 stars; one submission).

Conditions:
Severe early-onset pulmonary alveolar proteinosis due to MARS deficiency. Also called: PULMONARY ALVEOLAR PROTEINOSIS, REUNION ISLAND; Interstitial lung and liver disease. Identifiers: Orphanet 440427, MedGen C4225400, MONDO:0014206, OMIM 615486.
Charcot-Marie-Tooth disease axonal type 2U. Also called: CHARCOT-MARIE-TOOTH NEUROPATHY, TYPE 2U; CHARCOT-MARIE-TOOTH DISEASE, AXONAL, AUTOSOMAL DOMINANT, TYPE 2U. Identifiers: Orphanet 397735, MedGen C4084821, MONDO:0014566, OMIM 616280.

Submission:

Labcorp Genetics (formerly Invitae), Labcorp
Classification: Uncertain significance for Charcot-Marie-Tooth disease axonal type 2U; Severe early-onset pulmonary alveolar proteinosis due to MARS deficiency. Last evaluated: 2021-07-31. Review status: criteria provided, single submitter. Criteria: Invitae Variant Classification Sherloc (09022015). Collection method: clinical testing. Allele origin: germline.
Comment: In summary, the available evidence is currently insufficient to determine the role of this variant in disease. Therefore, it has been classified as a Variant of Uncertain Significance. Algorithms developed to predict the effect of missense changes on protein structure and function (SIFT, PolyPhen-2, Align-GVGD) all suggest that this variant is likely to be tolerated. This variant has not been reported in the literature in individuals affected with MARS-related conditions. This variant is not present in population databases (ExAC no frequency). This sequence change replaces arginine with glycine at codon 23 of the MARS protein (p.Arg23Gly). The arginine residue is weakly conserved and there is a moderate physicochemical difference between arginine and glycine.

NM_004990.4(MARS1):c.67C>G (p.Arg23Gly)

Genes: ARHGAP9 (Rho GTPase activating protein 9; minus strand), MARS1 (methionyl-tRNA synthetase 1; plus strand). Cytogenetic location: 12q13.3.
Variant type: single nucleotide variant.
Coding change: c.67C>G on transcript NM_004990.4 (MANE Select); coding-DNA position 67, C replaced by G.
Protein change: p.Arg23Gly; replaces arginine 23 with glycine.
Molecular consequence: missense variant. On other transcripts: intron variant (1).
Genome position (GRCh38, 1-based): chr12:57,488,157, C>G. VCF-style: chr12-57488157-C-G. GRCh37 (hg19) VCF-style: chr12-57881940-C-G.
Other names: c.-204+455G>C (NM_001319850.2); short protein forms R23G.
Identifiers: ClinVar variation 1681668 (VCV001681668.7), dbSNP rs2139993470, ClinGen allele CA385490059.